The following is an entry in ClinVar:

NM_147127.5(EVC2):c.1711-20T>G

Gene: EVC2 (EvC ciliary complex subunit 2; minus strand). Cytogenetic location: 4p16.2.
Variant type: single nucleotide variant.
Coding change: c.1711-20T>G on transcript NM_147127.5 (MANE Select); 20 bases into the intron before coding-DNA position 1711, T replaced by G.
Molecular consequence: intron variant.
Genome position (GRCh38, 1-based): chr4:5,628,754, A>C on the plus strand (T>G on the coding strand, the complement: EVC2 is on the minus strand). VCF-style: chr4-5628754-A-C. GRCh37 (hg19) VCF-style: chr4-5630481-A-C.
Other names: c.1471-20T>G (NM_001166136.2).
Identifiers: ClinVar variation 262606 (VCV000262606.13), dbSNP rs58869180, ClinGen allele CA2834955.
Genomic context (GRCh38, chr4:5,628,754, plus strand): 5'-TTACTAGCCTGGAAAAAGTCCATTAACTCTTCTACATTCTCCTGTCAATTAAAAAAAAAA[A>C]CAAGAAAATATGCCTAATTAAAATTTAGAGCATAATCTTTCTAGACATTTAAAATATTAT-3'

ClinVar aggregate classification (germline): Benign. Review status: criteria provided, multiple submitters, no conflicts (2 of 4 stars). 5 submissions from 5 submitters: Benign (5). Last evaluated 2026-05-09.

Conditions:
Ellis-van Creveld syndrome (EVC). Also called: Chondroectodermal dysplasia; MESOECTODERMAL DYSPLASIA. Identifiers: Orphanet 289, MedGen C0013903, MONDO:0009162, OMIM 225500.
Curry-Hall syndrome (WAD). Also called: WEYERS ACRODENTAL DYSOSTOSIS. Identifiers: Orphanet 952, MedGen C0457013, MONDO:0008673, OMIM 193530.

Allele frequency attached by ClinVar (database versions not stated): gnomAD exomes 0.01859; ExAC 0.02238; gnomAD 0.06933 and 0.07408; TOPMed 0.07957; 1000 Genomes Project 0.08227; 1000 Genomes Project 30x 0.08354.
gnomAD v4.1: 21,698 of 1,484,598 alleles (1.5%); highest among the groups gnomAD compares: African/African-American, 24%; 2,202 homozygotes.

Submissions (9):

Women's Health and Genetics/Laboratory Corporation of America, LabCorp
Classification: Benign. Last evaluated: 2026-05-09. Review status: criteria provided, single submitter. Criteria: LabCorp Variant Classification Summary - May 2015. Collection method: clinical testing. Allele origin: germline.

Labcorp Genetics (formerly Invitae), Labcorp
Classification: Benign for Curry-Hall syndrome; Ellis-van Creveld syndrome. Last evaluated: 2026-02-04. Review status: criteria provided, single submitter. Criteria: Invitae Variant Classification Sherloc (09022015). Collection method: clinical testing. Allele origin: germline.

GeneDx
Classification: Benign. Last evaluated: 2016-08-01. Review status: criteria provided, single submitter. Criteria: GeneDx Variant Classification (06012015). Collection method: clinical testing. Allele origin: germline. Affected: yes.
Comment: This variant is considered likely benign or benign based on one or more of the following criteria: it is a conservative change, it occurs at a poorly conserved position in the protein, it is predicted to be benign by multiple in silico algorithms, and/or has population frequency not consistent with disease.

Breakthrough Genomics
Classification: Benign. Review status: criteria provided, single submitter. Criteria: ACMG Guidelines, 2015. Collection method: not provided. Allele origin: germline. Inheritance: Autosomal recessive inheritance. Affected: yes.

PreventionGenetics, part of Exact Sciences
Classification: Benign. Review status: criteria provided, single submitter. Criteria: ACMG Guidelines, 2015. Collection method: clinical testing. Allele origin: germline.

Dr. Peter K. Rogan Lab, Western University
No classification provided (evidence only). Condition: Lung cancer. Review status: no classification provided. Collection method: in vitro. Allele origin: not applicable. Functional consequence: retained intron. Not counted in ClinVar's aggregate classification.

Dr. Peter K. Rogan Lab, Western University
No classification provided (evidence only). Condition: Lung cancer. Review status: no classification provided. Collection method: in vitro. Allele origin: not applicable. Functional consequence: retained intron. Not counted in ClinVar's aggregate classification.

Dr. Peter K. Rogan Lab, Western University
No classification provided (evidence only). Condition: Cervical cancer. Review status: no classification provided. Collection method: in vitro. Allele origin: not applicable. Functional consequence: retained intron. Not counted in ClinVar's aggregate classification.

Dr. Peter K. Rogan Lab, Western University
No classification provided (evidence only). Condition: Malignant tumor of esophagus. Review status: no classification provided. Collection method: in vitro. Allele origin: not applicable. Functional consequence: skipped exon, retained intron. Not counted in ClinVar's aggregate classification.